The following is an entry in ClinVar:

ClinVar aggregate classification (germline): Uncertain significance (1 of 4 stars; one submission).

Conditions:
Ritscher-Schinzel syndrome. Also called: CRANIOCEREBELLOCARDIAC DYSPLASIA. Identifiers: Orphanet 7, MedGen C0796137, MONDO:0019078.
Hereditary spastic paraplegia 8 (SPG8). Also called: SPASTIC PARAPLEGIA 8, AUTOSOMAL DOMINANT. Identifiers: Orphanet 100989, MedGen C1863704, MONDO:0011339, OMIM 603563.

Submission:

Labcorp Genetics (formerly Invitae), Labcorp
Classification: Uncertain significance for Ritscher-Schinzel syndrome; Hereditary spastic paraplegia 8. Last evaluated: 2024-11-15. Review status: criteria provided, single submitter. Criteria: Invitae Variant Classification Sherloc (09022015). Collection method: clinical testing. Allele origin: germline.
Comment: This sequence change replaces serine, which is neutral and polar, with tyrosine, which is neutral and polar, at codon 681 of the WASHC5 protein (p.Ser681Tyr). This variant is not present in population databases (gnomAD no frequency). This variant has not been reported in the literature in individuals affected with WASHC5-related conditions. Invitae Evidence Modeling of protein sequence and biophysical properties (such as structural, functional, and spatial information, amino acid conservation, physicochemical variation, residue mobility, and thermodynamic stability) indicates that this missense variant is expected to disrupt WASHC5 protein function with a positive predictive value of 80%. In summary, the available evidence is currently insufficient to determine the role of this variant in disease. Therefore, it has been classified as a Variant of Uncertain Significance.

NM_014846.4(WASHC5):c.2042C>A (p.Ser681Tyr)

Gene: WASHC5 (WASH complex subunit 5; minus strand). Cytogenetic location: 8q24.13.
Variant type: single nucleotide variant.
Coding change: c.2042C>A on transcript NM_014846.4 (MANE Select); coding-DNA position 2042, C replaced by A.
Protein change: p.Ser681Tyr; replaces serine 681 with tyrosine.
Molecular consequence: missense variant.
Genome position (GRCh38, 1-based): chr8:125,055,646, G>T on the plus strand (C>A on the coding strand, the complement: WASHC5 is on the minus strand). VCF-style: chr8-125055646-G-T. GRCh37 (hg19) VCF-style: chr8-126067888-G-T.
Other names: c.1598C>A, p.Ser533Tyr (NM_001330609.2); short protein forms S533Y, S681Y.
Identifiers: ClinVar variation 3758482 (VCV003758482.2).